The following is an entry in ClinVar:

NM_006907.4(PYCR1):c.877G>A (p.Asp293Asn)

Gene: PYCR1 (pyrroline-5-carboxylate reductase 1; minus strand). Cytogenetic location: 17q25.3.
Variant type: single nucleotide variant.
Coding change: c.877G>A on transcript NM_006907.4 (MANE Select); coding-DNA position 877, G replaced by A.
Protein change: p.Asp293Asn; replaces aspartic acid 293 with asparagine.
Molecular consequence: missense variant. On other transcripts: 3 prime UTR variant (1), intron variant (1).
Genome position (GRCh38, 1-based): chr17:81,933,297, C>T on the plus strand (G>A on the coding strand, the complement: PYCR1 is on the minus strand). VCF-style: chr17-81933297-C-T. GRCh37 (hg19) VCF-style: chr17-79891173-C-T.
Other names: c.784G>A, p.Asp262Asn (NM_001282279.2); c.877G>A, p.Asp293Asn (NM_001282280.2); c.958G>A, p.Asp320Asn (NM_001282281.2); c.*59G>A (NM_001330523.2); c.867+10G>A (NM_153824.3); short protein forms D320N, D262N, D293N.
Identifiers: ClinVar variation 3694483 (VCV003694483.1).

ClinVar aggregate classification (germline): Uncertain significance (1 of 4 stars; one submission).

Submission:

Labcorp Genetics (formerly Invitae), Labcorp
Classification: Uncertain significance. Last evaluated: 2024-05-18. Review status: criteria provided, single submitter. Criteria: Invitae Variant Classification Sherloc (09022015). Collection method: clinical testing. Allele origin: germline.
Comment: This sequence change replaces aspartic acid, which is acidic and polar, with asparagine, which is neutral and polar, at codon 293 of the PYCR1 protein (p.Asp293Asn). This variant is present in population databases (rs763754137, gnomAD 0.003%). This variant has not been reported in the literature in individuals affected with PYCR1-related conditions. An algorithm developed to predict the effect of missense changes on protein structure and function (PolyPhen-2) suggests that this variant¬†is likely to be tolerated. In summary, the available evidence is currently insufficient to determine the role of this variant in disease. Therefore, it has been classified as a Variant of Uncertain Significance.